The following is an entry in ClinVar:

NM_006348.5(COG5):c.1237A>G (p.Thr413Ala)

Gene: COG5 (component of oligomeric golgi complex 5; minus strand). Cytogenetic location: 7q22.3.
Variant type: single nucleotide variant.
Coding change: c.1237A>G on transcript NM_006348.5 (MANE Select); coding-DNA position 1237, A replaced by G.
Protein change: p.Thr413Ala; replaces threonine 413 with alanine.
Molecular consequence: missense variant.
Genome position (GRCh38, 1-based): chr7:107,298,218, T>C on the plus strand (A>G on the coding strand, the complement: COG5 is on the minus strand). VCF-style: chr7-107298218-T-C. GRCh37 (hg19) VCF-style: chr7-106938663-T-C.
Other names: c.1237A>G, p.Thr413Ala (NM_001161520.2, NM_001379511.1, NM_001379512.1 and 3 more transcripts); c.667A>G, p.Thr223Ala (NM_001379515.1); c.523A>G, p.Thr175Ala (NM_001379516.1); c.1330A>G (NM_006348.3); short protein forms T223A, T413A, T175A.
Identifiers: ClinVar variation 1981523 (VCV001981523.2), dbSNP rs1033213070, ClinGen allele CA164689506.
Genomic context (GRCh38, chr7:107,298,218, plus strand): 5'-TTGGTATGAATATATCTTGTGCATCATCTTCCATGTGTTGTAGGTCAACATAGAGGTCTG[T>C]AGTTCCACTTGCATTAAAATTCCCTTGGATATGCTGACTGTATTGTTGAAGACGCTTCCA-3'
Protein context (NP_006339.4, residues 403-423): IQGNFNASGT[Thr413Ala]DLYVDLQHME

ClinVar aggregate classification (germline): Conflicting classifications of pathogenicity. Review status: criteria provided, conflicting classifications (1 of 4 stars). 2 submissions from 2 submitters: Uncertain significance (1); Likely benign (1). Last evaluated 2025-01-23.

Conditions:
Inborn genetic diseases. Identifiers: MedGen C0950123, MeSH D030342.
COG5-congenital disorder of glycosylation. Also called: COG5-CDG; CDG IIi; CONGENITAL DISORDER OF GLYCOSYLATION, TYPE IIi. Identifiers: Orphanet 263487, MedGen C3150876, MONDO:0013325, OMIM 613612.

Allele frequency attached by ClinVar (database versions not stated): gnomAD 0.00001; gnomAD exomes 0.00001; TOPMed 0.00002.
gnomAD v4.1: 10 of 1,613,662 alleles (0.00062%); highest among the groups gnomAD compares: Admixed American, 0.0033%; no homozygotes.

Submissions (2):

Ambry Genetics
Classification: Likely benign for Inborn genetic diseases. Last evaluated: 2025-01-23. Review status: criteria provided, single submitter. Criteria: Ambry Variant Classification Scheme 2023. Collection method: clinical testing. Allele origin: germline.

Labcorp Genetics (formerly Invitae), Labcorp
Classification: Uncertain significance for COG5-congenital disorder of glycosylation. Last evaluated: 2022-03-28. Review status: criteria provided, single submitter. Criteria: Invitae Variant Classification Sherloc (09022015). Collection method: clinical testing. Allele origin: germline.
Comment: This sequence change replaces threonine, which is neutral and polar, with alanine, which is neutral and non-polar, at codon 444 of the COG5 protein (p.Thr444Ala). This variant is present in population databases (no rsID available, gnomAD 0.003%). This variant has not been reported in the literature in individuals affected with COG5-related conditions. Algorithms developed to predict the effect of missense changes on protein structure and function output the following: SIFT: "Tolerated"; PolyPhen-2: "Benign"; Align-GVGD: "Class C0". The alanine amino acid residue is found in multiple mammalian species, which suggests that this missense change does not adversely affect protein function. In summary, the available evidence is currently insufficient to determine the role of this variant in disease. Therefore, it has been classified as a Variant of Uncertain Significance.